The following is an entry in ClinVar:

NM_001369.3(DNAH5):c.5815_5821del (p.Ala1939fs)

Gene: DNAH5 (dynein axonemal heavy chain 5; minus strand). Cytogenetic location: 5p15.2.
Variant type: Deletion.
Coding change: c.5815_5821del on transcript NM_001369.3 (MANE Select); coding-DNA positions 5815 to 5821, 7 bases deleted (GCGTTCA; older notation c.5815_5821delGCGTTCA).
Protein change: p.Ala1939fs; shifts the reading frame from alanine 1939.
Molecular consequence: frameshift variant.
Genome position (GRCh38, 1-based): chr5:13,839,417-13,839,423, TGAACGC deleted on the plus strand (GCGTTCA on the coding strand, the reverse complement: DNAH5 is on the minus strand). VCF-style (leftmost placement, unchanged base first): chr5-13839416-ATGAACGC-A. GRCh37 (hg19) VCF-style: chr5-13839525-ATGAACGC-A.
Other names: short protein forms A1939fs.
Identifiers: ClinVar variation 1724616 (VCV001724616.2), dbSNP rs2546902882, ClinGen allele CA2580072063.
Genomic context (GRCh38, chr5:13,839,416, plus strand): 5'-CTGTCTGTAAGTGGAGTTATTACAAGCCTGTCAGTGCAGCCTAAAAATTCATTCTGGTAT[ATGAACGC>A]CACATCTGTGATGTGAATCATCATCTTGTCAGAATCTTCGTTAAAGTAAAATCTGCACTG-3'

ClinVar aggregate classification (germline): Likely pathogenic (1 of 4 stars; one submission).

Conditions:
Primary ciliary dyskinesia 3. Identifiers: Orphanet 244, MedGen C1837618, MONDO:0012085, OMIM 608644.

Submission:

Myriad Genetics, Inc.
Classification: Likely pathogenic for Primary ciliary dyskinesia 3. Last evaluated: 2022-02-22. Review status: criteria provided, single submitter. Criteria: Myriad Women's Health Autosomal Recessive and X-Linked Classification Criteria (2021). Collection method: clinical testing. Allele origin: unknown.
Comment: NM_001369.2(DNAH5):c.5815_5821del7(A1939Yfs*7) is expected to be pathogenic in the context of DNAH5-related primary ciliary dyskinesia. This variant is predicted to lead to an abnormal or absent protein product due to the creation of a premature termination codon in DNAH5, a gene where loss-of-function variants are known to be pathogenic. Please note: this variant was assessed in the context of healthy population screening.